The following is an entry in ClinVar:

ClinVar aggregate classification (germline): Uncertain significance (1 of 4 stars; one submission).

Submission:

GeneDx
Classification: Uncertain significance. Last evaluated: 2026-02-14. Review status: criteria provided, single submitter. Criteria: GeneDx Variant Classification Process June 2021. Collection method: clinical testing. Allele origin: germline.
Comment: Not observed at significant frequency in large population cohorts (gnomAD); In silico analysis suggests that this missense variant does not alter protein structure/function; Has not been previously published as pathogenic or benign to our knowledge

NM_004818.3(DDX23):c.1133G>C (p.Ser378Thr)

Gene: DDX23 (DEAD-box helicase 23; minus strand). Cytogenetic location: 12q13.12.
Variant type: single nucleotide variant.
Coding change: c.1133G>C on transcript NM_004818.3 (MANE Select); coding-DNA position 1133, G replaced by C.
Protein change: p.Ser378Thr; replaces serine 378 with threonine.
Molecular consequence: missense variant.
Genome position (GRCh38, 1-based): chr12:48,836,672, C>G on the plus strand (G>C on the coding strand, the complement: DDX23 is on the minus strand). VCF-style: chr12-48836672-C-G. GRCh37 (hg19) VCF-style: chr12-49230455-C-G.
Other names: short protein forms S378T.
Identifiers: ClinVar variation 5009247 (VCV005009247.1).
Genomic context (GRCh38, chr12:48,836,672, plus strand): 5'-AGAGAAGAGTCTTTCCAGGATCGGATGGGATTGGGGATCTTGCCACCTTTGGTGGTGATG[C>G]TGTAGTCCTCACGGAAGATCCGCCAGTCCCTGTCCGTCATCTCATCTAACTTTTTCTGAG-3'
Protein context (NP_004809.2, residues 368-388): RDWRIFREDY[Ser378Thr]ITTKGGKIPN